The following is an entry in ClinVar:

ClinVar aggregate classification (germline): Uncertain significance. Review status: criteria provided, multiple submitters, no conflicts (2 of 4 stars). 2 submissions from 2 submitters: Uncertain significance (2). Last evaluated 2025-02-15.

Conditions:
Inborn genetic diseases. Identifiers: MedGen C0950123, MeSH D030342.

Allele frequency attached by ClinVar (database versions not stated): gnomAD exomes below 0.00001; ExAC 0.00001; TOPMed 0.00001.
gnomAD v4.1: 1 of 1,614,136 alleles (0.000062%); highest among the groups gnomAD compares: Non-Finnish European, 0.000085%; no homozygotes.

Submissions (2):

GeneDx
Classification: Uncertain significance. Last evaluated: 2025-02-15. Review status: criteria provided, single submitter. Criteria: GeneDx Variant Classification Process June 2021. Collection method: clinical testing. Allele origin: germline. Affected: yes.
Comment: Not observed at significant frequency in large population cohorts (gnomAD); In silico analysis supports that this missense variant has a deleterious effect on protein structure/function; Has not been previously published as pathogenic or benign to our knowledge

Ambry Genetics
Classification: Uncertain significance for Inborn genetic diseases. Last evaluated: 2023-02-16. Review status: criteria provided, single submitter. Criteria: Ambry Variant Classification Scheme 2023. Collection method: clinical testing. Allele origin: germline.

NM_024408.4(NOTCH2):c.3857A>G (p.Asn1286Ser)

Gene: NOTCH2 (notch receptor 2; minus strand). Cytogenetic location: 1p12.
Variant type: single nucleotide variant.
Coding change: c.3857A>G on transcript NM_024408.4 (MANE Select); coding-DNA position 3857, A replaced by G.
Protein change: p.Asn1286Ser; replaces asparagine 1286 with serine.
Molecular consequence: missense variant.
Genome position (GRCh38, 1-based): chr1:119,929,011, T>C on the plus strand (A>G on the coding strand, the complement: NOTCH2 is on the minus strand). VCF-style: chr1-119929011-T-C. GRCh37 (hg19) VCF-style: chr1-120471634-T-C.
Other names: short protein forms N1286S.
Identifiers: ClinVar variation 2485569 (VCV002485569.3), dbSNP rs782319914, ClinGen allele CA1039961.
Genomic context (GRCh38, chr1:119,929,011, plus strand): 5'-GCCAGGAGGCTAGAGAGCTTCTCACCAGTAAAGGCACTACGGCAAACACACAGGTAGTCA[T>C]TGGTGAGCTGTATACAGTCCAGGCTGCCCTCAGAGCTGCAGGGGTTGGAGAGGCACTCGT-3'
Protein context (NP_077719.2, residues 1276-1296): EGSLDCIQLT[Asn1286Ser]DYLCVCRSAF